The following is an entry in ClinVar:

NM_002307.4(LGALS7):c.357_360dup (p.Leu121fs)

Gene: LGALS7 (galectin 7; minus strand). Cytogenetic location: 19q13.2.
Variant type: Microsatellite.
Coding change: c.357_360dup on transcript NM_002307.4 (MANE Select); coding-DNA positions 357 to 360, 4 bases duplicated (GCGC; older notation c.357_360dupGCGC).
Protein change: p.Leu121fs; shifts the reading frame from leucine 121.
Molecular consequence: frameshift variant.
Genome position (GRCh38, 1-based): chr19:38,771,077-38,771,080, GCGC duplicated on the plus strand (GCGC on the coding strand, the reverse complement: LGALS7 is on the minus strand). VCF-style (leftmost placement, unchanged base first): chr19-38771076-G-GGCGC. GRCh37 (hg19) VCF-style: chr19-39261716-G-GGCGC.
Other names: short protein forms L121fs.
Identifiers: ClinVar variation 4280912 (VCV004280912.7).

ClinVar aggregate classification (germline): Likely benign (1 of 4 stars; one submission).

Submission:

CeGaT Center for Human Genetics Tuebingen
Classification: Likely benign. Last evaluated: 2025-09-01. Review status: criteria provided, single submitter. Criteria: CeGaT Center For Human Genetics Tuebingen Variant Classification Criteria Version 2. Collection method: clinical testing. Allele origin: germline. Affected: yes. Observed: 1 variant allele.
Comment: LGALS7: BS2